The following is an entry in ClinVar:

ClinVar aggregate classification (germline): Conflicting classifications of pathogenicity. Review status: criteria provided, conflicting classifications (1 of 4 stars). 2 submissions from 2 submitters: Uncertain significance (1); Likely benign (1). Last evaluated 2025-10-23.

Conditions:
COG4-congenital disorder of glycosylation. Also called: COG4-CDG; CONGENITAL DISORDER OF GLYCOSYLATION, TYPE IIj; CDG IIj. Identifiers: Orphanet 263501, MedGen C4303552, MONDO:0013281, OMIM 613489.

Allele frequency attached by ClinVar (database versions not stated): gnomAD 0.00003 and 0.00004; TOPMed 0.00005; gnomAD exomes 0.00009.
gnomAD v4.1: 58 of 1,613,920 alleles (0.0036%); highest among the groups gnomAD compares: Admixed American, 0.093%; no homozygotes.

Submissions (2):

GeneDx
Classification: Uncertain significance. Last evaluated: 2025-10-23. Review status: criteria provided, single submitter. Criteria: GeneDx Variant Classification Process June 2021. Collection method: clinical testing. Allele origin: germline.
Comment: In silico analysis supports that this missense variant has a deleterious effect on protein structure/function; Has not been previously published as pathogenic or benign to our knowledge

Labcorp Genetics (formerly Invitae), Labcorp
Classification: Likely benign for COG4-congenital disorder of glycosylation. Last evaluated: 2025-07-31. Review status: criteria provided, single submitter. Criteria: Invitae Variant Classification Sherloc (09022015). Collection method: clinical testing. Allele origin: germline.

NM_015386.3(COG4):c.1128C>A (p.Phe376Leu)

Gene: COG4 (component of oligomeric golgi complex 4; minus strand). Cytogenetic location: 16q22.1.
Variant type: single nucleotide variant.
Coding change: c.1128C>A on transcript NM_015386.3 (MANE Select); coding-DNA position 1128, C replaced by A.
Protein change: p.Phe376Leu; replaces phenylalanine 376 with leucine.
Molecular consequence: missense variant. On other transcripts: non-coding transcript variant (1).
Genome position (GRCh38, 1-based): chr16:70,501,025, G>T on the plus strand (C>A on the coding strand, the complement: COG4 is on the minus strand). VCF-style: chr16-70501025-G-T. GRCh37 (hg19) VCF-style: chr16-70534928-G-T.
Other names: c.1116C>A, p.Phe372Leu (NM_001195139.2); c.702C>A, p.Phe234Leu (NM_001365426.1); short protein forms F376L, F372L, F234L.
Identifiers: ClinVar variation 856164 (VCV000856164.8), dbSNP rs768897804, ClinGen allele CA8144430.
Genomic context (GRCh38, chr16:70,501,025, plus strand): 5'-TACTTCCTCTGAGGCCATGGAGTCTCCCACCTCAAAATCAGAGCTAATCCTCTTCTTGAG[G>T]AAGCGTAAGTATAGCTCACTGCGGGCATTCATCAGGGTGACCTCAGTCAGGATGGGGTCC-3'
Protein context (NP_056201.2, residues 366-386): MNARSELYLR[Phe376Leu]LKKRISSDFE